The following is an entry in ClinVar:

NM_033087.4(ALG2):c.1030G>C (p.Val344Leu)

Gene: ALG2 (ALG2 alpha-1,3/1,6-mannosyltransferase; minus strand). Cytogenetic location: 9q22.33.
Variant type: single nucleotide variant.
Coding change: c.1030G>C on transcript NM_033087.4 (MANE Select); coding-DNA position 1030, G replaced by C.
Protein change: p.Val344Leu; replaces valine 344 with leucine.
Molecular consequence: missense variant. On other transcripts: non-coding transcript variant (1).
Genome position (GRCh38, 1-based): chr9:99,218,155, C>G on the plus strand (G>C on the coding strand, the complement: ALG2 is on the minus strand). VCF-style: chr9-99218155-C-G. GRCh37 (hg19) VCF-style: chr9-101980437-C-G.
Other names: short protein forms V344L.
Identifiers: ClinVar variation 664201 (VCV000664201.7), dbSNP rs1588618702, ClinGen allele CA374226402.

ClinVar aggregate classification (germline): Uncertain significance (1 of 4 stars; one submission).

Conditions:
Congenital disorder of glycosylation, type Ii. Also called: CDG Ii; ALG2-congenital disorder of glycosylation; ALG2-CDG. Identifiers: Orphanet 79326, MedGen C1842836, MONDO:0011933, OMIM 607906.
Congenital myasthenic syndrome 14. Also called: Myasthenic syndrome, congenital, 14, with tubular aggregates. Identifiers: Orphanet 353327, Orphanet 590, MedGen C4015597, MONDO:0014543, OMIM 616228.

Allele frequency attached by ClinVar (database versions not stated): gnomAD exomes below 0.00001.

Submission:

Labcorp Genetics (formerly Invitae), Labcorp
Classification: Uncertain significance for Congenital disorder of glycosylation, type Ii; Congenital myasthenic syndrome 14. Last evaluated: 2025-10-01. Review status: criteria provided, single submitter. Criteria: Invitae Variant Classification Sherloc (09022015). Collection method: clinical testing. Allele origin: germline.
Comment: This sequence change replaces valine, which is neutral and non-polar, with leucine, which is neutral and non-polar, at codon 344 of the ALG2 protein (p.Val344Leu). This variant is not present in population databases (gnomAD no frequency). This variant has not been reported in the literature in individuals affected with ALG2-related conditions. ClinVar contains an entry for this variant (Variation ID: 664201). An algorithm developed to predict the effect of missense changes on protein structure and function (PolyPhen-2) suggests that this variant is likely to be tolerated. In summary, the available evidence is currently insufficient to determine the role of this variant in disease. Therefore, it has been classified as a Variant of Uncertain Significance.